The following is an entry in ClinVar:

NM_020207.7(ERCC6L2):c.3424G>A (p.Ala1142Thr)

Gene: ERCC6L2 (ERCC excision repair 6 like 2; plus strand). Cytogenetic location: 9q22.32.
Variant type: single nucleotide variant.
Coding change: c.3424G>A on transcript NM_020207.7 (MANE Select); coding-DNA position 3424, G replaced by A.
Protein change: p.Ala1142Thr; replaces alanine 1142 with threonine.
Molecular consequence: missense variant. On other transcripts: non-coding transcript variant (1).
Genome position (GRCh38, 1-based): chr9:95,978,147, G>A. VCF-style: chr9-95978147-G-A. GRCh37 (hg19) VCF-style: chr9-98740429-G-A.
Other names: c.3424G>A, p.Ala1142Thr (NM_001375293.1, NM_001375294.1, NM_001375291.1 and 1 more transcripts); short protein forms A1142T.
Identifiers: ClinVar variation 3622474 (VCV003622474.2).

ClinVar aggregate classification (germline): Uncertain significance (1 of 4 stars; one submission).

gnomAD v4.1: 10 of 1,367,392 alleles (0.00073%); highest among the groups gnomAD compares: Non-Finnish European, 0.00098%; no homozygotes.

Submission:

Labcorp Genetics (formerly Invitae), Labcorp
Classification: Uncertain significance. Last evaluated: 2024-07-03. Review status: criteria provided, single submitter. Criteria: Invitae Variant Classification Sherloc (09022015). Collection method: clinical testing. Allele origin: germline.
Comment: This sequence change replaces alanine, which is neutral and non-polar, with threonine, which is neutral and polar, at codon 1153 of the ERCC6L2 protein (p.Ala1153Thr). This variant is present in population databases (no rsID available, gnomAD 0.0009%). This variant has not been reported in the literature in individuals affected with ERCC6L2-related conditions. Experimental studies and prediction algorithms are not available or were not evaluated, and the functional significance of this variant is currently unknown. In summary, the available evidence is currently insufficient to determine the role of this variant in disease. Therefore, it has been classified as a Variant of Uncertain Significance.